The following is an entry in ClinVar:

NM_004655.4(AXIN2):c.1090C>T (p.Pro364Ser)

Gene: AXIN2 (axin 2; minus strand). Cytogenetic location: 17q24.1.
Variant type: single nucleotide variant.
Coding change: c.1090C>T on transcript NM_004655.4 (MANE Select); coding-DNA position 1090, C replaced by T.
Protein change: p.Pro364Ser; replaces proline 364 with serine.
Molecular consequence: missense variant.
Genome position (GRCh38, 1-based): chr17:65,538,313, G>A on the plus strand (C>T on the coding strand, the complement: AXIN2 is on the minus strand). VCF-style: chr17-65538313-G-A. GRCh37 (hg19) VCF-style: chr17-63534431-G-A.
Other names: c.1090C>T (LRG_296t1); c.1090C>T, p.Pro364Ser (NM_001363813.1); short protein forms P364S.
Identifiers: ClinVar variation 572418 (VCV000572418.8), dbSNP rs1567757528, ClinGen allele CA400678523.

ClinVar aggregate classification (germline): Uncertain significance (1 of 4 stars; one submission).

Conditions:
Oligodontia-cancer predisposition syndrome. Also called: TOOTH AGENESIS-COLORECTAL CANCER SYNDROME. Identifiers: Orphanet 300576, MedGen C1837750, MONDO:0012075, OMIM 608615. Disease mechanism: loss of function.

Submission:

Labcorp Genetics (formerly Invitae), Labcorp
Classification: Uncertain significance for Oligodontia-cancer predisposition syndrome. Last evaluated: 2025-02-05. Review status: criteria provided, single submitter. Criteria: Invitae Variant Classification Sherloc (09022015). Collection method: clinical testing. Allele origin: germline.
Comment: This sequence change replaces proline, which is neutral and non-polar, with serine, which is neutral and polar, at codon 364 of the AXIN2 protein (p.Pro364Ser). This variant is not present in population databases (gnomAD no frequency). This variant has not been reported in the literature in individuals affected with AXIN2-related conditions. ClinVar contains an entry for this variant (Variation ID: 572418). An algorithm developed to predict the effect of missense changes on protein structure and function (PolyPhen-2) suggests that this variant is likely to be disruptive. In summary, the available evidence is currently insufficient to determine the role of this variant in disease. Therefore, it has been classified as a Variant of Uncertain Significance.